The following is an entry in ClinVar:

NM_000083.3(CLCN1):c.2937C>A (p.Asp979Glu)

Gene: CLCN1 (chloride voltage-gated channel 1; plus strand). Cytogenetic location: 7q34.
Variant type: single nucleotide variant.
Coding change: c.2937C>A on transcript NM_000083.3 (MANE Select); coding-DNA position 2937, C replaced by A.
Protein change: p.Asp979Glu; replaces aspartic acid 979 with glutamic acid.
Molecular consequence: missense variant. On other transcripts: non-coding transcript variant (1).
Genome position (GRCh38, 1-based): chr7:143,351,935, C>A. VCF-style: chr7-143351935-C-A. GRCh37 (hg19) VCF-style: chr7-143049028-C-A.
Other names: short protein forms D979E.
Identifiers: ClinVar variation 2940300 (VCV002940300.3), dbSNP rs776873546, ClinGen allele CA369654269.

ClinVar aggregate classification (germline): Uncertain significance (1 of 4 stars; one submission).

Conditions:
Congenital myotonia, autosomal dominant form (THD). Also called: THOMSEN DISEASE; Myotonia congenita autosomal dominant. Identifiers: Orphanet 614, MedGen C2936781, MONDO:0008055, OMIM 160800.
Congenital myotonia, autosomal recessive form. Also called: BECKER DISEASE; Becker Generalized Myotonia; myotonia congenita, autosomal recessive. Identifiers: Orphanet 614, MedGen C0751360, MONDO:0009715, OMIM 255700.

gnomAD v4.1: 8 of 1,613,340 alleles (0.0005%); highest among the groups gnomAD compares: Non-Finnish European, 0.00068%; no homozygotes.

Submission:

Labcorp Genetics (formerly Invitae), Labcorp
Classification: Uncertain significance for Congenital myotonia, autosomal recessive form; Congenital myotonia, autosomal dominant form. Last evaluated: 2023-05-22. Review status: criteria provided, single submitter. Criteria: Invitae Variant Classification Sherloc (09022015). Collection method: clinical testing. Allele origin: germline.
Comment: In summary, the available evidence is currently insufficient to determine the role of this variant in disease. Therefore, it has been classified as a Variant of Uncertain Significance. Advanced modeling of protein sequence and biophysical properties (such as structural, functional, and spatial information, amino acid conservation, physicochemical variation, residue mobility, and thermodynamic stability) performed at Invitae indicates that this missense variant is not expected to disrupt CLCN1 protein function. This variant has not been reported in the literature in individuals affected with CLCN1-related conditions. This variant is not present in population databases (gnomAD no frequency). This sequence change replaces aspartic acid, which is acidic and polar, with glutamic acid, which is acidic and polar, at codon 979 of the CLCN1 protein (p.Asp979Glu).